The following is an entry in ClinVar:

ClinVar aggregate classification (germline): Uncertain significance. Review status: criteria provided, multiple submitters, no conflicts (2 of 4 stars). 2 submissions from 2 submitters: Uncertain significance (2). Last evaluated 2025-12-24.

Allele frequency attached by ClinVar (database versions not stated): gnomAD exomes 0.00002; TOPMed 0.00002; gnomAD 0.00003; ExAC 0.00004.
gnomAD v4.1: 31 of 1,612,516 alleles (0.0019%); highest among the groups gnomAD compares: East Asian, 0.0045%; no homozygotes.

Submissions (2):

Labcorp Genetics (formerly Invitae), Labcorp
Classification: Uncertain significance. Last evaluated: 2025-12-24. Review status: criteria provided, single submitter. Criteria: Invitae Variant Classification Sherloc (09022015). Collection method: clinical testing. Allele origin: germline.
Comment: This sequence change replaces arginine, which is basic and polar, with tryptophan, which is neutral and slightly polar, at codon 634 of the SPTBN2 protein (p.Arg634Trp). This variant is present in population databases (rs766236489, gnomAD 0.006%). This variant has not been reported in the literature in individuals affected with SPTBN2-related conditions. ClinVar contains an entry for this variant (Variation ID: 1376345). Invitae Evidence Modeling of protein sequence and biophysical properties (such as structural, functional, and spatial information, amino acid conservation, physicochemical variation, residue mobility, and thermodynamic stability) indicates that this missense variant is not expected to disrupt SPTBN2 protein function with a negative predictive value of 80%. Experimental studies have shown that this missense change affects SPTBN2 function (PMID: 24603075). In summary, the available evidence is currently insufficient to determine the role of this variant in disease. Therefore, it has been classified as a Variant of Uncertain Significance.

Breakthrough Genomics
Classification: Uncertain significance. Review status: criteria provided, single submitter. Criteria: ACMG Guidelines, 2015. Collection method: not provided. Allele origin: germline. Inheritance: Autosomal recessive inheritance. Affected: yes.

Literature cited by the submitters: PubMed 24603075 (cited by Labcorp Genetics (formerly Invitae), Labcorp).

NM_006946.4(SPTBN2):c.1900C>T (p.Arg634Trp)

Gene: SPTBN2 (spectrin beta, non-erythrocytic 2; minus strand). Cytogenetic location: 11q13.2.
Variant type: single nucleotide variant.
Coding change: c.1900C>T on transcript NM_006946.4 (MANE Select); coding-DNA position 1900, C replaced by T.
Protein change: p.Arg634Trp; replaces arginine 634 with tryptophan.
Molecular consequence: missense variant.
Genome position (GRCh38, 1-based): chr11:66,705,376, G>A on the plus strand (C>T on the coding strand, the complement: SPTBN2 is on the minus strand). VCF-style: chr11-66705376-G-A. GRCh37 (hg19) VCF-style: chr11-66472847-G-A.
Other names: short protein forms R634W.
Identifiers: ClinVar variation 1376345 (VCV001376345.9), dbSNP rs766236489, ClinGen allele CA6129221.
Genomic context (GRCh38, chr11:66,705,376, plus strand): 5'-CAGCTTCACCCACCTCCCAGAGGAAACGCCAGAGCCGCCGTGATTCCTCCAGCCGGGCCC[G>A]CCGCGCCGCTGCCAACTCGCACAGTGCCTCATAGCTCTGCTCTAGCTTGGCCACCCGCTC-3'
Protein context (NP_008877.2, residues 624-644): EALCELAAAR[Arg634Trp]ARLEESRRLW